The following is an entry in ClinVar:

ClinVar aggregate classification (germline): Likely benign. Review status: reviewed by expert panel (3 of 4 stars). 14 submissions from 14 submitters: Likely benign (1). 13 of the submissions do not count toward it. Last evaluated 2017-06-29.

Conditions:
BRCA1-related disorder. Also called: BRCA1-related condition.
Hereditary cancer-predisposing syndrome. Also called: Hereditary Cancer Syndrome; Tumor predisposition; Neoplastic Syndromes, Hereditary; Hereditary neoplastic syndrome. Identifiers: Orphanet 140162, MedGen C0027672, MeSH D009386, MONDO:0015356.
Hereditary breast ovarian cancer syndrome. Also called: Breast and ovarian cancer; BRCA1- and BRCA2-Associated Hereditary Breast and Ovarian Cancer; Hereditary breast and ovarian cancer; Hereditary breast and ovarian cancer syndrome (HBOC); Hereditary breast and ovarian cancer syndrome; Hereditary breast and/or ovarian cancer syndrome. Identifiers: Orphanet 145, MedGen C0677776, MeSH D061325, MONDO:0003582. Disease mechanism: loss of function.
Breast-ovarian cancer, familial, susceptibility to, 1 (BROVCA1). Also called: BRCA1 Hereditary Breast and Ovarian Cancer; OVARIAN CANCER, SUSCEPTIBILITY TO. Identifiers: Orphanet 145, MedGen C2676676, MONDO:0011450, OMIM 604370. Disease mechanism: loss of function.
Malignant tumor of breast. Also called: Malignant breast neoplasm; Cancer breast. Identifiers: MedGen C0006142, MONDO:0007254. Disease mechanism: loss of function.

Allele frequency attached by ClinVar (database versions not stated): gnomAD 0.00007; ESP Exome Variant Server 0.00008; TOPMed 0.00008.
gnomAD v4.1: 26 of 1,614,126 alleles (0.0016%); highest among the groups gnomAD compares: African/African-American, 0.031%; no homozygotes.

Submissions (14):

Evidence-based Network for the Interpretation of Germline Mutant Alleles (ENIGMA)
Classification: Likely benign for Breast-ovarian cancer, familial, susceptibility to, 1. Last evaluated: 2017-06-29. Review status: reviewed by expert panel. Criteria: ENIGMA BRCA1/2 Classification Criteria (2017-06-29). Collection method: curation. Allele origin: germline.
Comment: Synonymous substitution variant, with low bioinformatic likelihood to result in a splicing aberration (Splicing prior probability 0.02).

Labcorp Genetics (formerly Invitae), Labcorp
Classification: Likely benign for Hereditary breast ovarian cancer syndrome. Last evaluated: 2026-02-03. Review status: criteria provided, single submitter. Criteria: Invitae Variant Classification Sherloc (09022015). Collection method: clinical testing. Allele origin: germline. Not counted in ClinVar's aggregate classification.

CeGaT Center for Human Genetics Tuebingen
Classification: Likely benign. Last evaluated: 2025-11-01. Review status: criteria provided, single submitter. Criteria: CeGaT Center For Human Genetics Tuebingen Variant Classification Criteria Version 2. Collection method: clinical testing. Allele origin: germline. Affected: yes. Observed: 1 variant allele. Not counted in ClinVar's aggregate classification.
Comment: BRCA1: BP4, BP7

Center for Genomic Medicine, Rigshospitalet, Copenhagen University Hospital
Classification: Likely benign. Last evaluated: 2025-03-04. Review status: criteria provided, single submitter. Criteria: ACMG Guidelines, 2015. Collection method: clinical testing. Allele origin: germline. Not counted in ClinVar's aggregate classification.

All of Us Research Program, National Institutes of Health
Classification: Likely benign for Breast-ovarian cancer, familial, susceptibility to, 1. Last evaluated: 2023-09-09. Review status: criteria provided, single submitter. Criteria: ACMG Guidelines, 2015. Collection method: clinical testing. Allele origin: germline. Inheritance: Autosomal dominant inheritance. Observed: 3 variant alleles, 3 heterozygotes. Not counted in ClinVar's aggregate classification.
Comment: This study involves interpretation of variants in research participants for the purpose of population health screening. Participant phenotype was not available at the time of variant classification. Additional details can be found in publication PMID: 35346344, PMCID: PMC8962531

Blueprint Genetics
Classification: Likely benign. Last evaluated: 2023-02-17. Review status: criteria provided, single submitter. Criteria: ACMG Guidelines, 2015. Collection method: clinical testing. Allele origin: germline. Not counted in ClinVar's aggregate classification.

Mendelics
Classification: Likely benign for Breast-ovarian cancer, familial, susceptibility to, 1. Last evaluated: 2019-05-28. Review status: criteria provided, single submitter. Criteria: Mendelics Assertion Criteria 2017. Collection method: clinical testing. Allele origin: unknown. Not counted in ClinVar's aggregate classification.

Women's Health and Genetics/Laboratory Corporation of America, LabCorp
Classification: Likely benign. Last evaluated: 2019-04-09. Review status: criteria provided, single submitter. Criteria: LabCorp Variant Classification Summary - May 2015. Collection method: clinical testing. Allele origin: germline. Not counted in ClinVar's aggregate classification.
Comment: Variant summary: BRCA1 c.3783A>G alters a non-conserved nucleotide resulting in a synonymous change. 4/5 computational tools predict no significant impact on normal splicing. This prediction was confirmed by a functional study that used a BRCA1 minigene construct consisting of exon 10 to 12, and found that the variant does not alter splicing (Anczukow 2008). The variant allele was found at a frequency of 1.4e-05 in 276922 control chromosomes (gnomAD). This frequency is not higher than expected for a pathogenic variant in BRCA1 causing Hereditary Breast and Ovarian Cancer (1.4e-05 vs 0.001), allowing no conclusion about variant significance. The variant, c.3783A>G, has been reported in the literature in an individual affected with Hereditary Breast and Ovarian Cancer (Wagner 1999). This report however does not provide unequivocal conclusions about association of the variant with Hereditary Breast and Ovarian Cancer. Co-occurrences with other pathogenic variants have been reported (BRCA1 c.83_84delTG (p.Leu28ArgfsX12) and BRCA2 c.2957insG (p.Asn986ArgfsX2) in the UMD database), providing supporting evidence for a benign role. Three clinical diagnostic laboratories and one expert panel have submitted clinical-significance assessments for this variant to ClinVar after 2014 without evidence for independent evaluation. All submitters classified the variant as likely benign. Based on the evidence outlined above, the variant was classified as likely benign.

GeneDx
Classification: Likely benign. Last evaluated: 2017-09-29. Review status: criteria provided, single submitter. Criteria: GeneDx Variant Classification (06012015). Collection method: clinical testing. Allele origin: germline. Affected: yes. Not counted in ClinVar's aggregate classification.
Comment: This variant is considered likely benign or benign based on one or more of the following criteria: it is a conservative change, it occurs at a poorly conserved position in the protein, it is predicted to be benign by multiple in silico algorithms, and/or has population frequency not consistent with disease.

Color Diagnostics, LLC DBA Color Health
Classification: Likely benign for Hereditary cancer-predisposing syndrome. Last evaluated: 2017-09-12. Review status: criteria provided, single submitter. Criteria: ACMG Guidelines, 2015. Collection method: clinical testing. Allele origin: germline. Not counted in ClinVar's aggregate classification.

Ambry Genetics
Classification: Likely benign for Hereditary cancer-predisposing syndrome. Last evaluated: 2014-09-09. Review status: criteria provided, single submitter. Criteria: Ambry Variant Classification Scheme 2023. Collection method: clinical testing. Allele origin: germline. Not counted in ClinVar's aggregate classification.

PreventionGenetics, part of Exact Sciences
Classification: Likely benign for BRCA1-related condition. Last evaluated: 2019-06-02. Review status: no assertion criteria provided. Collection method: clinical testing. Allele origin: germline. Not counted in ClinVar's aggregate classification.
Comment: This variant is classified as likely benign based on ACMG/AMP sequence variant interpretation guidelines (Richards et al. 2015 PMID: 25741868, with internal and published modifications).

Breast Cancer Information Core (BIC) (BRCA1)
Classification: Benign for Breast-ovarian cancer, familial 1. Last evaluated: 2004-12-30. Review status: no assertion criteria provided. Collection method: clinical testing. Allele origin: germline. Affected: yes. Observed: 1 variant allele. Not counted in ClinVar's aggregate classification.

Department of Pathology and Laboratory Medicine, Sinai Health System
Classification: Benign for Malignant tumor of breast. Review status: no assertion criteria provided. Collection method: clinical testing. Allele origin: unknown. Affected: yes. Study: The Canadian Open Genetics Repository (COGR). Not counted in ClinVar's aggregate classification.
Comment: The BRCA1 p.Leu1261Leu variant was not identified in the literature. The variant was identified in dbSNP (ID: rs80356831)â€šÃ„ÃºWith uncertain significance, untested alleleâ€šÃ„Ã¹, ClinVar database, the BIC database (1X with no clinical importance), and UMD (3X as a UV variant). In UMD the variant was identified with a co-occurring pathogenic BRCA1 variant (c.83_84delTG (p.Leu28ArgfsX12)), increasing the likelihood that the p.Leu1261Leu variant does not have clinical significance. The p.Leu1261Leu variant is not expected to have clinical significance because it does not result in a change of amino acid and is not located in a known consensus splice site.In addition, in silico or computational prediction software programs (SpliceSiteFinder, MaxEntScan, NNSPLICE, GeneSplicer, HumanSpliceFinder) do not predict a difference in splicing. In summary, based on the above information, this variant meets our laboratory's criteria to be classified as benign.

Literature cited by the submitters: PubMed 10453741 (cited by Women's Health and Genetics/Laboratory Corporation of America, LabCorp); PubMed 18273839 (cited by Women's Health and Genetics/Laboratory Corporation of America, LabCorp).

NM_007294.4(BRCA1):c.3783A>G (p.Leu1261=)

Genes: BRCA1 (BRCA1 DNA repair associated; minus strand), LOC126862571 (BRD4-independent group 4 enhancer GRCh37_chr17:41243136-41244335; plus strand). Cytogenetic location: 17q21.31.
Variant type: single nucleotide variant.
Coding change: c.3783A>G on transcript NM_007294.4 (MANE Select); coding-DNA position 3783, A replaced by G.
Protein change: p.Leu1261=; no amino-acid change (leucine 1261 retained).
Molecular consequence: synonymous variant. On other transcripts: intron variant (135).
Genome position (GRCh38, 1-based): chr17:43,091,748, T>C on the plus strand (A>G on the coding strand, the complement: BRCA1 is on the minus strand). VCF-style: chr17-43091748-T-C. GRCh37 (hg19) VCF-style: chr17-41243765-T-C.
Other names: 3902A/G; c.3570A>G, p.Leu1190= (NM_001407571.1, NM_001407853.1, NM_001407894.1 and 9 more transcripts); c.3783A>G, p.Leu1261= (NM_001407581.1, NM_001407582.1, NM_001407583.1 and 30 more transcripts); c.3780A>G, p.Leu1260= (NM_001407587.1, NM_001407590.1, NM_001407591.1 and 22 more transcripts); c.3774A>G, p.Leu1258= (NM_001407646.1, NM_001407647.1); c.3660A>G, p.Leu1220= (NM_001407648.1, NM_001407664.1, NM_001407665.1 and 19 more transcripts); c.3657A>G, p.Leu1219= (NM_001407649.1, NM_001407670.1, NM_001407671.1 and 11 more transcripts); c.3705A>G, p.Leu1235= (NM_001407653.1, NM_001407654.1, NM_001407655.1 and 4 more transcripts); and 42 more.
Identifiers: ClinVar variation 55005 (VCV000055005.39), dbSNP rs80356831, ClinGen allele CA002438.
Genomic context (GRCh38, chr17:43,091,748, plus strand): 5'-CTGAGATGCCTTTGCCAATATTACCTGGTTACTGCAGTCATTTAAGCTATTCTTCAATGA[T>C]AATAAATTCTCCTCTGTGTTCTTAGACAGACACTCGGTAGCAACGGTGCTATGCCTAGTA-3'
Protein context (NP_009225.1, residues 1251-1271): CLSKNTEENL[Leu1261=]SLKNSLNDCS